The following is an entry in ClinVar:

ClinVar aggregate classification (germline): Likely benign (1 of 4 stars; one submission).

Submission:

GeneDx
Classification: Likely benign. Last evaluated: 2025-10-03. Review status: criteria provided, single submitter. Criteria: GeneDx Variant Classification Process June 2021. Collection method: clinical testing. Allele origin: germline.
Comment: See Variant Classification Assertion Criteria.

NM_001374828.1(ARID1B):c.4156G>A (p.Gly1386Ser)

Gene: ARID1B (AT-rich interaction domain 1B; plus strand). Cytogenetic location: 6q25.3.
Variant type: single nucleotide variant.
Coding change: c.4156G>A on transcript NM_001374828.1 (MANE Select); coding-DNA position 4156, G replaced by A.
Protein change: p.Gly1386Ser; replaces glycine 1386 with serine.
Molecular consequence: missense variant.
Genome position (GRCh38, 1-based): chr6:157,190,135, G>A. VCF-style: chr6-157190135-G-A. GRCh37 (hg19) VCF-style: chr6-157511269-G-A.
Other names: c.3907G>A, p.Gly1303Ser (NM_001346813.1); c.1657G>A, p.Gly553Ser (NM_001363725.2); c.4036G>A, p.Gly1346Ser (NM_001371656.1, NM_001374820.1); c.3997G>A, p.Gly1333Ser (NM_017519.3); c.3787G>A, p.Gly1263Ser (NM_020732.3); c.3574G>A, p.Gly1192Ser (NM_175863.2); short protein forms G1192S, G1263S, G1303S, G1333S, G1346S, G1386S, G553S.
Identifiers: ClinVar variation 1800913 (VCV001800913.2), dbSNP rs2538508885, ClinGen allele CA366235346.